The following is an entry in ClinVar:

ClinVar aggregate classification (germline): Uncertain significance (1 of 4 stars; one submission).

Submission:

Labcorp Genetics (formerly Invitae), Labcorp
Classification: Uncertain significance. Last evaluated: 2022-08-03. Review status: criteria provided, single submitter. Criteria: Invitae Variant Classification Sherloc (09022015). Collection method: clinical testing. Allele origin: germline.
Comment: In summary, the available evidence is currently insufficient to determine the role of this variant in disease. Therefore, it has been classified as a Variant of Uncertain Significance. Algorithms developed to predict the effect of missense changes on protein structure and function are either unavailable or do not agree on the potential impact of this missense change (SIFT: "Deleterious"; PolyPhen-2: "Possibly Damaging"; Align-GVGD: "Class C0"). This variant has not been reported in the literature in individuals affected with TUBB2A-related conditions. This variant is not present in population databases (gnomAD no frequency). This sequence change replaces arginine, which is basic and polar, with histidine, which is basic and polar, at codon 320 of the TUBB2A protein (p.Arg320His).

NM_001069.3(TUBB2A):c.959G>A (p.Arg320His)

Gene: TUBB2A (tubulin beta 2A class IIa; minus strand). Cytogenetic location: 6p25.2.
Variant type: single nucleotide variant.
Coding change: c.959G>A on transcript NM_001069.3 (MANE Select); coding-DNA position 959, G replaced by A.
Protein change: p.Arg320His; replaces arginine 320 with histidine.
Molecular consequence: missense variant.
Genome position (GRCh38, 1-based): chr6:3,154,242, C>T on the plus strand (G>A on the coding strand, the complement: TUBB2A is on the minus strand). VCF-style: chr6-3154242-C-T. GRCh37 (hg19) VCF-style: chr6-3154476-C-T.
Other names: c.704G>A, p.Arg235His (NM_001310315.2); short protein forms R235H, R320H.
Identifiers: ClinVar variation 1714914 (VCV001714914.5), dbSNP rs2533524073, ClinGen allele CA362591574.